The following is an entry in ClinVar:

NM_001101426.4(CRPPA):c.1120-291C>T

Genes: CRPPA (CDP-L-ribitol pyrophosphorylase A; minus strand), CRPPA-AS1 (CRPPA antisense RNA 1; plus strand). Cytogenetic location: 7p21.2.
Variant type: single nucleotide variant.
Coding change: c.1120-291C>T on transcript NM_001101426.4 (MANE Select); 291 bases into the intron before coding-DNA position 1120, C replaced by T.
Molecular consequence: intron variant.
Genome position (GRCh38, 1-based): chr7:16,216,488, G>A on the plus strand (C>T on the coding strand, the complement: CRPPA is on the minus strand). VCF-style: chr7-16216488-G-A. GRCh37 (hg19) VCF-style: chr7-16256113-G-A.
Other names: c.970-291C>T (NM_001101417.4); c.1015-291C>T (NM_001368197.1).
Identifiers: ClinVar variation 674306 (VCV000674306.2), dbSNP rs183379625, ClinGen allele CA12458002.

ClinVar aggregate classification (germline): Likely benign. Review status: criteria provided, multiple submitters, no conflicts (2 of 4 stars). 2 submissions from 2 submitters: Likely benign (2). Last evaluated 2018-06-19.

Allele frequency attached by ClinVar (database versions not stated): 1000 Genomes Project 30x 0.00500; TOPMed 0.00913.
gnomAD v4.1: 2,772 of 264,594 alleles (1%); highest among the groups gnomAD compares: Non-Finnish European, 1.5%; 23 homozygotes.

Submissions (2):

GeneDx
Classification: Likely benign. Last evaluated: 2018-06-19. Review status: criteria provided, single submitter. Criteria: GeneDx Variant Classification (06012015). Collection method: clinical testing. Allele origin: germline. Affected: yes.
Comment: This variant is considered likely benign or benign based on one or more of the following criteria: it is a conservative change, it occurs at a poorly conserved position in the protein, it is predicted to be benign by multiple in silico algorithms, and/or has population frequency not consistent with disease.

Breakthrough Genomics
Classification: Likely benign. Review status: criteria provided, single submitter. Criteria: ACMG Guidelines, 2015. Collection method: not provided. Allele origin: germline. Inheritance: Autosomal recessive inheritance. Affected: yes.